The following is an entry in ClinVar:

ClinVar aggregate classification (germline): Uncertain significance (1 of 4 stars; one submission).

Conditions:
Hereditary cancer-predisposing syndrome. Also called: Neoplastic Syndromes, Hereditary; Tumor predisposition; Hereditary neoplastic syndrome; Hereditary Cancer Syndrome. Identifiers: Orphanet 140162, MedGen C0027672, MeSH D009386, MONDO:0015356.

Submission:

Ambry Genetics
Classification: Uncertain significance for Hereditary cancer-predisposing syndrome. Last evaluated: 2024-04-18. Review status: criteria provided, single submitter. Criteria: Ambry Variant Classification Scheme 2023. Collection method: clinical testing. Allele origin: germline.
Comment: The p.W334C variant (also known as c.1002G>C), located in coding exon 5 of the RET gene, results from a G to C substitution at nucleotide position 1002. The tryptophan at codon 334 is replaced by cysteine, an amino acid with highly dissimilar properties. This amino acid position is conserved. In addition, this alteration is predicted to be tolerated by in silico analysis. Based on the available evidence, the clinical significance of this variant remains unclear.

NM_020975.6(RET):c.1002G>C (p.Trp334Cys)

Gene: RET (ret proto-oncogene; plus strand). Cytogenetic location: 10q11.21.
Variant type: single nucleotide variant.
Coding change: c.1002G>C on transcript NM_020975.6 (MANE Select); coding-DNA position 1002, G replaced by C.
Protein change: p.Trp334Cys; replaces tryptophan 334 with cysteine.
Molecular consequence: missense variant. On other transcripts: intron variant (25).
Genome position (GRCh38, 1-based): chr10:43,106,510, G>C. VCF-style: chr10-43106510-G-C. GRCh37 (hg19) VCF-style: chr10-43601958-G-C.
Other names: c.338-2521G>C (NM_001406777.1, NM_001406778.1, NM_001406775.1 and 1 more transcripts); c.338-5589G>C (NM_001406790.1, NM_001406788.1, NM_001406789.1 and 1 more transcripts); c.74-2521G>C (NM_001406784.1); c.74-5589G>C (NM_001406794.1, NM_001406792.1, NM_001406793.1); c.240G>C, p.Trp80Cys (NM_001355216.2); c.1002G>C, p.Trp334Cys (NM_001406743.1, NM_001406744.1, NM_001406759.1 and 4 more transcripts); c.873G>C, p.Trp291Cys (NM_001406761.1, NM_001406762.1, NM_001406764.1 and 1 more transcripts); c.714G>C, p.Trp238Cys (NM_001406766.1, NM_001406767.1, NM_001406770.1); and 5 more; short protein forms W334C, W291C, W238C, W80C.
Identifiers: ClinVar variation 3313722 (VCV003313722.1).